The following is an entry in ClinVar:

ClinVar aggregate classification (germline): Uncertain significance (1 of 4 stars; one submission).

gnomAD v4.1: 2 of 1,613,978 alleles (0.00012%); highest among the groups gnomAD compares: Admixed American, 0.0017%; no homozygotes.

Submission:

Ambry Genetics
Classification: Uncertain significance. Last evaluated: 2026-03-15. Review status: criteria provided, single submitter. Criteria: Ambry Variant Classification Scheme 2023. Collection method: clinical testing. Allele origin: germline.
Comment: The p.N495K variant (also known as c.1485C>G), located in coding exon 8 of the PKP4 gene, results from a C to G substitution at nucleotide position 1485. The asparagine at codon 495 is replaced by lysine, an amino acid with similar properties. This amino acid position is conserved. In addition, this alteration is predicted to be tolerated by in silico analysis. Based on the available evidence, the clinical significance of this variant remains unclear.

NM_003628.6(PKP4):c.1485C>G (p.Asn495Lys)

Gene: PKP4 (plakophilin 4; plus strand). Cytogenetic location: 2q24.1.
Variant type: single nucleotide variant.
Coding change: c.1485C>G on transcript NM_003628.6 (MANE Select); coding-DNA position 1485, C replaced by G.
Protein change: p.Asn495Lys; replaces asparagine 495 with lysine.
Molecular consequence: missense variant.
Genome position (GRCh38, 1-based): chr2:158,634,212, C>G. VCF-style: chr2-158634212-C-G. GRCh37 (hg19) VCF-style: chr2-159490724-C-G.
Other names: c.1485C>G, p.Asn495Lys (NM_001005476.4, NM_001304971.2, NM_001377218.1 and 1 more transcripts); c.1482C>G, p.Asn494Lys (NM_001304969.3, NM_001377219.1, NM_001377220.1 and 2 more transcripts); c.456C>G, p.Asn152Lys (NM_001304970.3); c.1479C>G, p.Asn493Lys (NM_001377222.1, NM_001377223.1); c.1476C>G, p.Asn492Lys (NM_001377224.1); short protein forms N152K, N492K, N493K, N494K, N495K.
Identifiers: ClinVar variation 4862007 (VCV004862007.1).